The following is an entry in ClinVar:

NM_024334.3(TMEM43):c.286C>T (p.Arg96Trp)

Gene: TMEM43 (transmembrane protein 43; plus strand). Cytogenetic location: 3p25.1.
Variant type: single nucleotide variant.
Coding change: c.286C>T on transcript NM_024334.3 (MANE Select); coding-DNA position 286, C replaced by T.
Protein change: p.Arg96Trp; replaces arginine 96 with tryptophan.
Molecular consequence: missense variant.
Genome position (GRCh38, 1-based): chr3:14,130,945, C>T. VCF-style: chr3-14130945-C-T. GRCh37 (hg19) VCF-style: chr3-14172445-C-T.
Other names: c.286C>T, p.Arg96Trp (NM_001407274.1, NM_001407275.1, NM_001407276.1 and 2 more transcripts); c.271C>T, p.Arg91Trp (NM_001407278.1); c.136C>T, p.Arg46Trp (NM_001407280.1); short protein forms R91W, R46W, R96W.
Identifiers: ClinVar variation 2174342 (VCV002174342.6), dbSNP rs754797146, ClinGen allele CA351534722.
Genomic context (GRCh38, chr3:14,130,945, plus strand): 5'-AGCATCCACAGTGTGGCTCCGGAGAATGAAGGAAGGCTGGTGCACATCATTGGCGCCTTA[C>T]GGACATCCAAGGTAGGTTTGGCAGGGGATGCTGACCTGCCAGTGGCTCGGGGCTCATCCT-3'
Protein context (NP_077310.1, residues 86-106): GRLVHIIGAL[Arg96Trp]TSKLLSDPNY

ClinVar aggregate classification (germline): Uncertain significance. Review status: criteria provided, multiple submitters, no conflicts (2 of 4 stars). 3 submissions from 3 submitters: Uncertain significance (3). Last evaluated 2026-08-21.

Conditions:
TMEM43-related disorder. Also called: TMEM43-related condition.
Arrhythmogenic right ventricular dysplasia 5. Also called: Arrhythmogenic Right Ventricular Dysplasia/Cardiomyopathy 5; ARRHYTHMOGENIC RIGHT VENTRICULAR DYSPLASIA, FAMILIAL, 5. Identifiers: MedGen C1858379, MONDO:0011459, OMIM 604400.

Submissions (3):

PreventionGenetics, part of Exact Sciences
Classification: Uncertain significance for TMEM43-related condition. Last evaluated: 2026-08-21. Review status: criteria provided, single submitter. Criteria: ACMG Guidelines, 2015. Collection method: clinical testing. Allele origin: germline.
Comment: The TMEM43 c.286C>T variant is predicted to result in the amino acid substitution p.Arg96Trp. To our knowledge, this variant has not been reported in the literature or in a large population database (gnomAD), indicating this variant is rare. At this time, the clinical significance of this variant is uncertain due to the absence of conclusive functional and genetic evidence.

GeneDx
Classification: Uncertain significance. Last evaluated: 2026-04-22. Review status: criteria provided, single submitter. Criteria: GeneDx Variant Classification Process June 2021. Collection method: clinical testing. Allele origin: germline.
Comment: Not observed at significant frequency in large population cohorts (gnomAD); In silico analysis supports that this missense variant has a deleterious effect on protein structure/function; Has not been previously published as pathogenic or benign to our knowledge

Labcorp Genetics (formerly Invitae), Labcorp
Classification: Uncertain significance for Arrhythmogenic right ventricular dysplasia 5. Last evaluated: 2025-12-01. Review status: criteria provided, single submitter. Criteria: Invitae Variant Classification Sherloc (09022015). Collection method: clinical testing. Allele origin: germline.
Comment: This sequence change replaces arginine, which is basic and polar, with tryptophan, which is neutral and slightly polar, at codon 96 of the TMEM43 protein (p.Arg96Trp). This variant is not present in population databases (gnomAD no frequency). This variant has not been reported in the literature in individuals affected with TMEM43-related conditions. ClinVar contains an entry for this variant (Variation ID: 2174342). Invitae Evidence Modeling of protein sequence and biophysical properties (such as structural, functional, and spatial information, amino acid conservation, physicochemical variation, residue mobility, and thermodynamic stability) indicates that this missense variant is not expected to disrupt TMEM43 protein function with a negative predictive value of 80%. In summary, the available evidence is currently insufficient to determine the role of this variant in disease. Therefore, it has been classified as a Variant of Uncertain Significance.